The following is an entry in ClinVar:

ClinVar aggregate classification (germline): Uncertain significance (1 of 4 stars; one submission).

Conditions:
Dystonic disorder. Also called: Dystonia. Identifiers: MedGen C0013421, MONDO:0003441, HP:0001332.

Allele frequency attached by ClinVar (database versions not stated): TOPMed 0.00002.
gnomAD v4.1: 4 of 1,369,188 alleles (0.00029%); highest among the groups gnomAD compares: Non-Finnish European, 0.00037%; no homozygotes.

Submission:

Labcorp Genetics (formerly Invitae), Labcorp
Classification: Uncertain significance for Dystonic disorder. Last evaluated: 2017-09-06. Review status: criteria provided, single submitter. Criteria: Invitae Variant Classification Sherloc (09022015). Collection method: clinical testing. Allele origin: germline.
Comment: In summary, the available evidence is currently insufficient to determine the role of this variant in disease. Therefore, it has been classified as a Variant of Uncertain Significance. Algorithms developed to predict the effect of sequence changes on RNA splicing suggest that this variant may create or strengthen a splice site, but this prediction has not been confirmed by published transcriptional studies. This variant has not been reported in the literature in individuals with GNAL-related disease. This variant is not present in population databases (ExAC no frequency). This sequence change affects codon 23 of the GNAL mRNA. It is a 'silent' change, meaning that it does not change the encoded amino acid sequence of the GNAL protein. The GNAL gene has multiple clinically relevant transcripts. The c.69G>A variant occurs in the alternate transcript NM_182978.3, which corresponds to position c.-62177G>A in NM_001142339.2, the primary transcript listed in the Methods.

NM_182978.4(GNAL):c.69G>A (p.Ser23=)

Gene: GNAL (G protein subunit alpha L; plus strand). Cytogenetic location: 18p11.21.
Variant type: single nucleotide variant.
Coding change: c.69G>A on transcript NM_182978.4 (MANE Select); coding-DNA position 69, G replaced by A.
Protein change: p.Ser23=; no amino-acid change (serine 23 retained).
Molecular consequence: synonymous variant.
Genome position (GRCh38, 1-based): chr18:11,689,632, G>A. VCF-style: chr18-11689632-G-A. GRCh37 (hg19) VCF-style: chr18-11689631-G-A.
Identifiers: ClinVar variation 526210 (VCV000526210.7), dbSNP rs987117042, ClinGen allele CA502895470.
Genomic context (GRCh38, chr18:11,689,632, plus strand): 5'-GTGCTACAGTCTGCGGCCGCTGCTTTTCGGGGGCCCAGGGGACGACCCCTGCGCGGCCTC[G>A]GAGCCGCCGGTGGAGGACGCGCAGCCCGCCCCGGCCCCGGCCCTGGCCCCAGTCCGGGCG-3'
Protein context (NP_892023.1, residues 13-33): GGPGDDPCAA[Ser23=]EPPVEDAQPA